The following is an entry in ClinVar:

ClinVar aggregate classification (germline): Uncertain significance (1 of 4 stars; one submission).

Conditions:
Ullrich congenital muscular dystrophy 2 (UCMD2). Identifiers: Orphanet 75840, MedGen C4225314, MONDO:0014654, OMIM 616470.
Bethlem myopathy 2 (BTHLM2). Identifiers: Orphanet 536516, Orphanet 610, MedGen C4225313, MONDO:0034022, OMIM 616471.

Submission:

Labcorp Genetics (formerly Invitae), Labcorp
Classification: Uncertain significance for Bethlem myopathy 2; Ullrich congenital muscular dystrophy 2. Last evaluated: 2022-03-18. Review status: criteria provided, single submitter. Criteria: Invitae Variant Classification Sherloc (09022015). Collection method: clinical testing. Allele origin: germline.
Comment: Algorithms developed to predict the effect of missense changes on protein structure and function are either unavailable or do not agree on the potential impact of this missense change (SIFT: "Deleterious"; PolyPhen-2: "Probably Damaging"; Align-GVGD: "Class C0"). This variant is not present in population databases (gnomAD no frequency). This variant has not been reported in the literature in individuals affected with COL12A1-related conditions. This sequence change replaces valine, which is neutral and non-polar, with isoleucine, which is neutral and non-polar, at codon 932 of the COL12A1 protein (p.Val932Ile). In summary, the available evidence is currently insufficient to determine the role of this variant in disease. Therefore, it has been classified as a Variant of Uncertain Significance.

NM_004370.6(COL12A1):c.2794G>A (p.Val932Ile)

Gene: COL12A1 (collagen type XII alpha 1 chain; minus strand). Cytogenetic location: 6q13.
Variant type: single nucleotide variant.
Coding change: c.2794G>A on transcript NM_004370.6 (MANE Select); coding-DNA position 2794, G replaced by A.
Protein change: p.Val932Ile; replaces valine 932 with isoleucine.
Molecular consequence: missense variant. On other transcripts: intron variant (1).
Genome position (GRCh38, 1-based): chr6:75,165,696, C>T on the plus strand (G>A on the coding strand, the complement: COL12A1 is on the minus strand). VCF-style: chr6-75165696-C-T. GRCh37 (hg19) VCF-style: chr6-75875412-C-T.
Other names: c.74-13214G>A (NM_080645.3); short protein forms V932I.
Identifiers: ClinVar variation 1489989 (VCV001489989.6), dbSNP rs1768259480, ClinGen allele CA364758460.